The following is an entry in ClinVar:

ClinVar aggregate classification (germline): Pathogenic. Review status: criteria provided, multiple submitters, no conflicts (2 of 4 stars). 2 submissions from 2 submitters: Pathogenic (2). Last evaluated 2025-06-25.

Conditions:
Hereditary cancer-predisposing syndrome. Also called: Neoplastic Syndromes, Hereditary; Tumor predisposition; Hereditary neoplastic syndrome; Hereditary Cancer Syndrome. Identifiers: Orphanet 140162, MedGen C0027672, MeSH D009386, MONDO:0015356.

Submissions (2):

Quest Diagnostics Nichols Institute San Juan Capistrano
Classification: Pathogenic. Last evaluated: 2025-06-25. Review status: criteria provided, single submitter. Criteria: Quest Diagnostics criteria. Collection method: clinical testing. Allele origin: unknown.
Comment: The BRCA1 c.2485_2486insAA (p.Phe829*) variant is predicted to cause the premature termination of BRCA1 protein synthesis. This variant has been seen in an individual with ovarian cancer (Ambry Genetics, personal communication regarding ClinVar ID: 3226118). This variant has not been reported in large, multi-ethnic general populations (Genome Aggregation Database). Based on the available information, this variant is classified as pathogenic.

Ambry Genetics
Classification: Pathogenic for Hereditary cancer-predisposing syndrome. Last evaluated: 2024-01-02. Review status: criteria provided, single submitter. Criteria: Ambry Variant Classification Scheme 2023. Collection method: clinical testing. Allele origin: germline.
Comment: The c.2485_2486insAA pathogenic mutation, located in coding exon 9 of the BRCA1 gene, results from an insertion of two nucleotides at position 2485, causing a translational frameshift with a predicted alternate stop codon (p.F829*). This variant is considered to be rare based on population cohorts in the Genome Aggregation Database (gnomAD). This alteration is expected to result in loss of function by premature protein truncation or nonsense-mediated mRNA decay. As such, this alteration is interpreted as a disease-causing mutation.

NM_007294.4(BRCA1):c.2485_2486insAA (p.Phe829Ter)

Gene: BRCA1 (BRCA1 DNA repair associated; minus strand). Cytogenetic location: 17q21.31.
Variant type: Insertion.
Coding change: c.2485_2486insAA on transcript NM_007294.4 (MANE Select); coding-DNA positions 2485 to 2486, AA inserted.
Protein change: p.Phe829Ter; replaces phenylalanine 829 with a stop codon.
Molecular consequence: nonsense. On other transcripts: intron variant (137).
Genome position: GRCh38 VCF-style: chr17-43093045-A-ATT. GRCh37 (hg19) VCF-style: chr17-41245062-A-ATT.
Other names: c.2362_2363insAA, p.Phe788Ter (NM_001407664.1, NM_001407667.1, NM_001407666.1 and 19 more transcripts); c.2359_2360insAA, p.Phe787Ter (NM_001407670.1, NM_001407649.1, NM_001407671.1 and 11 more transcripts); c.661+1698_661+1699insAA (NM_001408434.1, NM_001408446.1, NM_001408435.1 and 6 more transcripts); c.787+1698_787+1699insAA (NM_007298.4, NM_001407978.1, NM_001407981.1 and 17 more transcripts); c.784+1698_784+1699insAA (NM_001407992.1, NM_001408398.1, NM_001408397.1 and 13 more transcripts); c.664+1698_664+1699insAA (NM_001408428.1, NM_001408440.1, NM_001408436.1 and 12 more transcripts); c.671-2014_671-2013insAA (NM_001408418.1, NM_001408423.1, NM_001408420.1 and 2 more transcripts); c.2344_2345insAA, p.Phe782Ter (NM_007297.4, NM_001407692.1, NM_001407694.1 and 29 more transcripts); and 41 more; short protein forms F533*, F661*, F701*, F702*, F717*, F718*, F740*, F741*.
Identifiers: ClinVar variation 3226118 (VCV003226118.2), dbSNP rs2552188102, ClinGen allele CA2825002536.